The following is an entry in ClinVar:

ClinVar aggregate classification (germline): Likely pathogenic (1 of 4 stars; one submission).

Conditions:
Microcephaly, normal intelligence and immunodeficiency (NBS). Also called: SEEMANOVA SYNDROME II; Ataxia telangiectasia variant V1; BERLIN BREAKAGE SYNDROME; Immunodeficiency, microcephaly with normal intelligence; Nijmegen breakage syndrome; Microcephaly with normal intelligence immunodeficiency and lymphoreticular malignancies. Identifiers: Orphanet 647, MedGen C0398791, MONDO:0009623, OMIM 251260.

Submission:

Labcorp Genetics (formerly Invitae), Labcorp
Classification: Likely pathogenic for Microcephaly, normal intelligence and immunodeficiency. Last evaluated: 2022-01-12. Review status: criteria provided, single submitter. Criteria: Invitae Variant Classification Sherloc (09022015). Collection method: clinical testing. Allele origin: germline.
Comment: In summary, the currently available evidence indicates that the variant is pathogenic, but additional data are needed to prove that conclusively. Therefore, this variant has been classified as Likely Pathogenic. Algorithms developed to predict the effect of sequence changes on RNA splicing suggest that this variant may disrupt the consensus splice site. This variant has not been reported in the literature in individuals affected with NBN-related conditions. This variant is not present in population databases (gnomAD no frequency). This sequence change affects a donor splice site in intron 2 of the NBN gene. It is expected to disrupt RNA splicing. Variants that disrupt the donor or acceptor splice site typically lead to a loss of protein function (PMID: 16199547), and loss-of-function variants in NBN are known to be pathogenic (PMID: 9590180, 16415040).

Literature cited by the submitters: PubMed 16199547; PubMed 9590180; PubMed 16415040.

NM_002485.5(NBN):c.171+1G>C

Gene: NBN (nibrin; minus strand). Cytogenetic location: 8q21.3.
Variant type: single nucleotide variant.
Coding change: c.171+1G>C on transcript NM_002485.5 (MANE Select); the canonical splice donor site of the intron after coding-DNA position 171, G replaced by C.
Molecular consequence: splice donor variant.
Genome position (GRCh38, 1-based): chr8:89,982,721, C>G on the plus strand (G>C on the coding strand, the complement: NBN is on the minus strand). VCF-style: chr8-89982721-C-G. GRCh37 (hg19) VCF-style: chr8-90994949-C-G.
Other names: c.-126+1G>C (NM_001024688.3).
Identifiers: ClinVar variation 1522471 (VCV001522471.6), dbSNP rs931715719, ClinGen allele CA371662860.